The following is an entry in ClinVar:

NM_016213.5(TRIP4):c.298G>A (p.Asp100Asn)

Gene: TRIP4 (thyroid hormone receptor interactor 4; plus strand). Cytogenetic location: 15q22.31.
Variant type: single nucleotide variant.
Coding change: c.298G>A on transcript NM_016213.5 (MANE Select); coding-DNA position 298, G replaced by A.
Protein change: p.Asp100Asn; replaces aspartic acid 100 with asparagine.
Molecular consequence: missense variant. On other transcripts: 5 prime UTR variant (1), non-coding transcript variant (1).
Genome position (GRCh38, 1-based): chr15:64,395,424, G>A. VCF-style: chr15-64395424-G-A. GRCh37 (hg19) VCF-style: chr15-64687623-G-A.
Other names: c.-393G>A (NM_001321924.2); short protein forms D100N.
Identifiers: ClinVar variation 1311736 (VCV001311736.5), dbSNP rs139281917, ClinGen allele CA7609338.

ClinVar aggregate classification (germline): Uncertain significance. Review status: criteria provided, multiple submitters, no conflicts (2 of 4 stars). 3 submissions from 3 submitters: Uncertain significance (3). Last evaluated 2025-02-28.

Conditions:
Inborn genetic diseases. Identifiers: MedGen C0950123, MeSH D030342.

Allele frequency attached by ClinVar (database versions not stated): gnomAD 0.00003 and 0.00004; gnomAD exomes 0.00003 and 0.00005; ExAC 0.00005; TOPMed 0.00005; ESP Exome Variant Server 0.00008.
gnomAD v4.1: 49 of 1,610,760 alleles (0.003%); highest among the groups gnomAD compares: East Asian, 0.0067%; no homozygotes.

Submissions (3):

Ambry Genetics
Classification: Uncertain significance for Inborn genetic diseases. Last evaluated: 2025-02-28. Review status: criteria provided, single submitter. Criteria: Ambry Variant Classification Scheme 2023. Collection method: clinical testing. Allele origin: germline.

Labcorp Genetics (formerly Invitae), Labcorp
Classification: Uncertain significance. Last evaluated: 2021-12-23. Review status: criteria provided, single submitter. Criteria: Invitae Variant Classification Sherloc (09022015). Collection method: clinical testing. Allele origin: germline.
Comment: This sequence change replaces aspartic acid, which is acidic and polar, with asparagine, which is neutral and polar, at codon 100 of the TRIP4 protein (p.Asp100Asn). This variant is present in population databases (rs139281917, gnomAD 0.04%). This variant has not been reported in the literature in individuals affected with TRIP4-related conditions. ClinVar contains an entry for this variant (Variation ID: 1311736). Algorithms developed to predict the effect of missense changes on protein structure and function are either unavailable or do not agree on the potential impact of this missense change (SIFT: "Tolerated"; PolyPhen-2: "Probably Damaging"; Align-GVGD: "Class C0"). In summary, the available evidence is currently insufficient to determine the role of this variant in disease. Therefore, it has been classified as a Variant of Uncertain Significance.

GeneDx
Classification: Uncertain significance. Last evaluated: 2020-01-13. Review status: criteria provided, single submitter. Criteria: GeneDx Variant Classification Process June 2021. Collection method: clinical testing. Allele origin: germline. Affected: yes.
Comment: In silico analysis, which includes protein predictors and evolutionary conservation, supports that this variant does not alter protein structure/function; Has not been previously published as pathogenic or benign to our knowledge